The following is an entry in ClinVar:

NM_000393.5(COL5A2):c.2715+5G>A

Gene: COL5A2 (collagen type V alpha 2 chain; minus strand). Cytogenetic location: 2q32.2.
Variant type: single nucleotide variant.
Coding change: c.2715+5G>A on transcript NM_000393.5 (MANE Select); 5 bases into the intron after coding-DNA position 2715, G replaced by A.
Molecular consequence: intron variant.
Genome position (GRCh38, 1-based): chr2:189,052,744, C>T on the plus strand (G>A on the coding strand, the complement: COL5A2 is on the minus strand). VCF-style: chr2-189052744-C-T. GRCh37 (hg19) VCF-style: chr2-189917470-C-T.
Identifiers: ClinVar variation 3251512 (VCV003251512.1), dbSNP rs2469260930.

ClinVar aggregate classification (germline): Uncertain significance (1 of 4 stars; one submission).

Submission:

Women's Health and Genetics/Laboratory Corporation of America, LabCorp
Classification: Uncertain significance. Last evaluated: 2024-04-05. Review status: criteria provided, single submitter. Criteria: LabCorp Variant Classification Summary - May 2015. Collection method: clinical testing. Allele origin: germline.
Comment: Variant summary: COL5A2 c.2715+5G>A alters a conserved nucleotide located close to a canonical splice site and therefore could affect mRNA splicing, leading to a significantly altered protein sequence. Several computational tools predict a significant impact on normal splicing: Three predict the variant abolishes a 5' splicing donor site. However, these predictions have yet to be confirmed by functional studies. The variant was absent in 251252 control chromosomes. The available data on variant occurrences in the general population are insufficient to allow any conclusion about variant significance. To our knowledge, no occurrence of c.2715+5G>A in individuals affected with Ehlers-Danlos Syndrome and no experimental evidence demonstrating its impact on protein function have been reported. No submitters have cited clinical-significance assessments for this variant to ClinVar. Based on the evidence outlined above, the variant was classified as uncertain significance.